The following is an entry in ClinVar:

ClinVar aggregate classification (germline): Uncertain significance. Review status: criteria provided, multiple submitters, no conflicts (2 of 4 stars). 2 submissions from 2 submitters: Uncertain significance (2). Last evaluated 2026-07-06.

Conditions:
Tuberous sclerosis 2 (TSC2). Identifiers: Orphanet 805, MedGen C1860707, MONDO:0013199, OMIM 613254.
Hereditary cancer-predisposing syndrome. Also called: Tumor predisposition; Hereditary neoplastic syndrome; Neoplastic Syndromes, Hereditary; Hereditary Cancer Syndrome. Identifiers: Orphanet 140162, MedGen C0027672, MeSH D009386, MONDO:0015356.

Submissions (2):

Ambry Genetics
Classification: Uncertain significance for Hereditary cancer-predisposing syndrome. Last evaluated: 2026-07-06. Review status: criteria provided, single submitter. Criteria: Ambry Variant Classification Scheme 2023. Collection method: clinical testing. Allele origin: germline.
Comment: The p.L511F variant (also known as c.1533G>C), located in coding exon 14 of the TSC2 gene, results from a G to C substitution at nucleotide position 1533. The leucine at codon 511 is replaced by phenylalanine, an amino acid with highly similar properties. This amino acid position is conserved. In addition, the in silico prediction for this alteration is inconclusive. Based on the available evidence, the clinical significance of this variant remains unclear.

Labcorp Genetics (formerly Invitae), Labcorp
Classification: Uncertain significance for Tuberous sclerosis 2. Last evaluated: 2022-09-27. Review status: criteria provided, single submitter. Criteria: Invitae Variant Classification Sherloc (09022015). Collection method: clinical testing. Allele origin: germline.
Comment: Advanced modeling of protein sequence and biophysical properties (such as structural, functional, and spatial information, amino acid conservation, physicochemical variation, residue mobility, and thermodynamic stability) performed at Invitae indicates that this missense variant is not expected to disrupt TSC2 protein function. In summary, the available evidence is currently insufficient to determine the role of this variant in disease. Therefore, it has been classified as a Variant of Uncertain Significance. This sequence change replaces leucine, which is neutral and non-polar, with phenylalanine, which is neutral and non-polar, at codon 511 of the TSC2 protein (p.Leu511Phe). This variant is not present in population databases (gnomAD no frequency). This variant has not been reported in the literature in individuals affected with TSC2-related conditions.

NM_000548.5(TSC2):c.1533G>C (p.Leu511Phe)

Gene: TSC2 (TSC complex subunit 2; plus strand). Cytogenetic location: 16p13.3.
Variant type: single nucleotide variant.
Coding change: c.1533G>C on transcript NM_000548.5 (MANE Select); coding-DNA position 1533, G replaced by C.
Protein change: p.Leu511Phe; replaces leucine 511 with phenylalanine.
Molecular consequence: missense variant.
Genome position (GRCh38, 1-based): chr16:2,064,361, G>C. VCF-style: chr16-2064361-G-C. GRCh37 (hg19) VCF-style: chr16-2114362-G-C.
Other names: c.1533G>C, p.Leu511Phe (NM_001077183.3, NM_001114382.3, NM_001363528.2 and 6 more transcripts); c.1422G>C, p.Leu474Phe (NM_001318827.2, NM_001406670.1, NM_001406678.1); c.1386G>C, p.Leu462Phe (NM_001318829.2, NM_001406675.1, NM_001406676.1 and 1 more transcripts); c.933G>C, p.Leu311Phe (NM_001318831.2, NM_001406682.1, NM_001406683.1 and 6 more transcripts); c.1566G>C, p.Leu522Phe (NM_001318832.2); c.1623G>C, p.Leu541Phe (NM_001406667.1, NM_001406668.1); c.189G>C, p.Leu63Phe (NM_001406689.1, NM_001406690.1, NM_001406691.1 and 6 more transcripts); c.-70G>C (NM_001406698.1); and 3 more; short protein forms L311F, L357F, L462F, L474F, L492F, L507F, L511F, L522F.
Identifiers: ClinVar variation 1720529 (VCV001720529.6), dbSNP rs771932622, ClinGen allele CA394326294.